The following is an entry in ClinVar:

ClinVar aggregate classification (germline): Pathogenic. Review status: criteria provided, single submitter (1 of 4 stars). 2 submissions from 2 submitters: Pathogenic (1). 1 of the submissions does not count toward it. Last evaluated 2021-04-15.

Conditions:
Stroke disorder. Also called: Stroke. Identifiers: MedGen C0038454, MeSH D020521, MONDO:0005098, HP:0001297.

Submissions (2):

Athena Diagnostics
Classification: Pathogenic. Last evaluated: 2021-04-15. Review status: criteria provided, single submitter. Criteria: Athena Diagnostics Criteria. Collection method: clinical testing. Allele origin: unknown.
Comment: This variant has not been reported in large, multi-ethnic general populations. This variant has been identified in at least one individual with clinical features associated with this gene. At least one other missense variant at this codon is considered to be pathogenic or likely pathogenic, suggesting this variant may also cause disease. This variant alters a critical location within the protein, and is expected to severely affect function and cause disease. Greater than 90% of pathogenic variants identified in NOTCH3 involve the gain or loss of a cysteine residue within the epidermal growth factor (EGF)-like repeat domain.

NIHR Bioresource Rare Diseases, University of Cambridge
Classification: Likely pathogenic for Stroke disorder. Review status: no assertion criteria provided. Collection method: research. Allele origin: unknown. Affected: yes. Observed: 1 variant allele. Not counted in ClinVar's aggregate classification.

Literature cited by the submitters: PubMed 27844030 (cited by Athena Diagnostics); PubMed 32581362 (cited by NIHR Bioresource Rare Diseases, University of Cambridge).

NM_000435.3(NOTCH3):c.227G>A (p.Cys76Tyr)

Gene: NOTCH3 (notch receptor 3; minus strand). Cytogenetic location: 19p13.12.
Variant type: single nucleotide variant.
Coding change: c.227G>A on transcript NM_000435.3 (MANE Select); coding-DNA position 227, G replaced by A.
Protein change: p.Cys76Tyr; replaces cysteine 76 with tyrosine.
Molecular consequence: missense variant.
Genome position (GRCh38, 1-based): chr19:15,192,490, C>T on the plus strand (G>A on the coding strand, the complement: NOTCH3 is on the minus strand). VCF-style: chr19-15192490-C-T. GRCh37 (hg19) VCF-style: chr19-15303301-C-T.
Other names: short protein forms C76Y.
Identifiers: ClinVar variation 585600 (VCV000585600.5), dbSNP rs1568362252, ClinGen allele CA404535141.
Genomic context (GRCh38, chr19:15,192,490, plus strand): 5'-GAACTCTGGCAGACACCACGGCCAGCACAGGGGCCTGAGTGACAGGGGTCCTCCAGCTGA[C>T]ACCGCTCACCCACCCAGCCAGGCGGGCACCTGTGGGCAGAGATGGCTTGGTTGGGCAGCA-3'
Protein context (NP_000426.2, residues 66-86): LCPPGWVGER[Cys76Tyr]QLEDPCHSGP